The following is an entry in ClinVar:

NM_152542.5(PPM1K):c.1075T>A (p.Phe359Ile)

Gene: PPM1K (protein phosphatase, Mg2+/Mn2+ dependent 1K; minus strand). Cytogenetic location: 4q22.1.
Variant type: single nucleotide variant.
Coding change: c.1075T>A on transcript NM_152542.5 (MANE Select); coding-DNA position 1075, T replaced by A.
Protein change: p.Phe359Ile; replaces phenylalanine 359 with isoleucine.
Molecular consequence: missense variant.
Genome position (GRCh38, 1-based): chr4:88,262,639, A>T on the plus strand (T>A on the coding strand, the complement: PPM1K is on the minus strand). VCF-style: chr4-88262639-A-T. GRCh37 (hg19) VCF-style: chr4-89183791-A-T.
Other names: c.1075T>A (NM_152542.3); short protein forms F359I.
Identifiers: ClinVar variation 1058047 (VCV001058047.10), dbSNP rs149239581, ClinGen allele CA3005099.
Genomic context (GRCh38, chr4:88,262,639, plus strand): 5'-AAGTCCCAGCTGGTAATCAGGCCCATCGTCCACTGGAGGCAAAGCTTCTGCTGAATGAGA[A>T]GTTGATTTCAGAGTTCTTATATTTTCCCCAGGCACCAAAAGGCACTACTACTGCAGTACT-3'
Protein context (NP_689755.3, residues 349-369): WGKYKNSEIN[Phe359Ile]SFSRSFASSG

ClinVar aggregate classification (germline): Uncertain significance. Review status: criteria provided, multiple submitters, no conflicts (2 of 4 stars). 2 submissions from 2 submitters: Uncertain significance (2). Last evaluated 2025-10-06.

Conditions:
Maple syrup urine disease, mild variant (MSUDMV). Identifiers: Orphanet 511, MedGen C3554575, MONDO:0014057, OMIM 615135.

Allele frequency attached by ClinVar (database versions not stated): TOPMed 0.00001; gnomAD 0.00004 and 0.00005; gnomAD exomes 0.00005 and 0.00006; ExAC 0.00008; 1000 Genomes Project 0.00060; 1000 Genomes Project 30x 0.00062.
gnomAD v4.1: 80 of 1,614,162 alleles (0.005%); highest among the groups gnomAD compares: South Asian, 0.034%; no homozygotes.

Submissions (2):

Labcorp Genetics (formerly Invitae), Labcorp
Classification: Uncertain significance for Maple syrup urine disease, mild variant. Last evaluated: 2025-10-06. Review status: criteria provided, single submitter. Criteria: Invitae Variant Classification Sherloc (09022015). Collection method: clinical testing. Allele origin: germline.
Comment: This sequence change replaces phenylalanine, which is neutral and non-polar, with isoleucine, which is neutral and non-polar, at codon 359 of the PPM1K protein (p.Phe359Ile). This variant is present in population databases (rs149239581, gnomAD 0.03%). This variant has not been reported in the literature in individuals affected with PPM1K-related conditions. ClinVar contains an entry for this variant (Variation ID: 1058047). An algorithm developed to predict the effect of missense changes on protein structure and function (PolyPhen-2) suggests that this variant is likely to be disruptive. In summary, the available evidence is currently insufficient to determine the role of this variant in disease. Therefore, it has been classified as a Variant of Uncertain Significance.

Ambry Genetics
Classification: Uncertain significance. Last evaluated: 2024-12-12. Review status: criteria provided, single submitter. Criteria: Ambry Variant Classification Scheme 2023. Collection method: clinical testing. Allele origin: germline.